The following is an entry in ClinVar:

NM_016180.5(SLC45A2):c.1289T>C (p.Leu430Pro)

Gene: SLC45A2 (solute carrier family 45 member 2; minus strand). Cytogenetic location: 5p13.2.
Variant type: single nucleotide variant.
Coding change: c.1289T>C on transcript NM_016180.5 (MANE Select); coding-DNA position 1289, T replaced by C.
Protein change: p.Leu430Pro; replaces leucine 430 with proline.
Molecular consequence: missense variant.
Genome position (GRCh38, 1-based): chr5:33,947,242, A>G on the plus strand (T>C on the coding strand, the complement: SLC45A2 is on the minus strand). VCF-style: chr5-33947242-A-G. GRCh37 (hg19) VCF-style: chr5-33947347-A-G.
Other names: c.1289T>C, p.Leu430Pro (NM_001012509.4); short protein forms L430P.
Identifiers: ClinVar variation 2095443 (VCV002095443.4), dbSNP rs2478775066, ClinGen allele CA359388445.

ClinVar aggregate classification (germline): Uncertain significance (1 of 4 stars; one submission).

Submission:

Labcorp Genetics (formerly Invitae), Labcorp
Classification: Uncertain significance. Last evaluated: 2022-02-09. Review status: criteria provided, single submitter. Criteria: Invitae Variant Classification Sherloc (09022015). Collection method: clinical testing. Allele origin: germline.
Comment: This sequence change replaces leucine, which is neutral and non-polar, with proline, which is neutral and non-polar, at codon 430 of the SLC45A2 protein (p.Leu430Pro). This variant is not present in population databases (gnomAD no frequency). This variant has not been reported in the literature in individuals affected with SLC45A2-related conditions. Algorithms developed to predict the effect of missense changes on protein structure and function are either unavailable or do not agree on the potential impact of this missense change (SIFT: "Deleterious"; PolyPhen-2: "Possibly Damaging"; Align-GVGD: "Class C0"). In summary, the available evidence is currently insufficient to determine the role of this variant in disease. Therefore, it has been classified as a Variant of Uncertain Significance.